The following is an entry in ClinVar:

ClinVar aggregate classification (germline): Benign (1 of 4 stars; one submission).

Allele frequency attached by ClinVar (database versions not stated): 1000 Genomes Project 0.00220; 1000 Genomes Project 30x 0.00234; gnomAD 0.00364; TOPMed 0.00393.

Submission:

CeGaT Center for Human Genetics Tuebingen
Classification: Benign. Last evaluated: 2023-02-01. Review status: criteria provided, single submitter. Criteria: CeGaT Center For Human Genetics Tuebingen Variant Classification Criteria Version 2. Collection method: clinical testing. Allele origin: germline. Affected: yes. Observed: 2 variant alleles.
Comment: TRAPPC9: BS1, BS2

NM_001160372.4(TRAPPC9):c.2557-73221G>A

Genes: PEG13 (paternally expressed 13; minus strand), TRAPPC9 (trafficking protein particle complex subunit 9; minus strand). Cytogenetic location: 8q24.3.
Variant type: single nucleotide variant.
Coding change: c.2557-73221G>A on transcript NM_001160372.4 (MANE Select); 73221 bases into the intron before coding-DNA position 2557, G replaced by A.
Molecular consequence: intron variant. On other transcripts: non-coding transcript variant (1).
Genome position (GRCh38, 1-based): chr8:140,097,300, C>T on the plus strand (G>A on the coding strand, the complement: TRAPPC9 is on the minus strand). VCF-style: chr8-140097300-C-T. GRCh37 (hg19) VCF-style: chr8-141107399-C-T.
Other names: c.2557-73221G>A (NM_031466.8, NM_001374683.1); c.2530-73221G>A (NM_001321646.2); c.2413-73221G>A (NM_001374684.1); c.2578-73221G>A (NM_001374682.1).
Identifiers: ClinVar variation 2499081 (VCV002499081.28), dbSNP rs111388938, ClinGen allele CA187246171.